The following is an entry in ClinVar:

ClinVar aggregate classification (germline): Pathogenic/Likely pathogenic. Review status: criteria provided, multiple submitters, no conflicts (2 of 4 stars). 4 submissions from 4 submitters: Pathogenic (3); Likely pathogenic (1). Last evaluated 2024-12-11.

Conditions:
Lung cancer. Also called: Lung cancer, somatic; Malignant tumor of lung. Identifiers: MedGen C0242379, MONDO:0008903, OMIM 211980.
Autosomal recessive juvenile Parkinson disease 2. Also called: Parkinson disease autosomal recessive, early onset; Juvenile parkinsonism; Parkinsonism, early onset, with diurnal fluctuation; PRKN-Related Early-Onset Parkinson Disease; Parkinson disease, juvenile, type 2; PARKINSON DISEASE, JUVENILE, AUTOSOMAL RECESSIVE. Identifiers: Orphanet 2828, MedGen C1868675, MONDO:0010820, OMIM 600116.
Ovarian cancer. Also called: OVARIAN CANCER, SOMATIC. Identifiers: Orphanet 213500, MedGen C1140680, MONDO:0008170, OMIM 167000.

Allele frequency attached by ClinVar (database versions not stated): gnomAD exomes below 0.00001 and 0.00005; TOPMed 0.00001; ExAC 0.00004.
gnomAD v4.1: 6 of 1,613,708 alleles (0.00037%); highest among the groups gnomAD compares: East Asian, 0.013%; no homozygotes.

Submissions (4):

Labcorp Genetics (formerly Invitae), Labcorp
Classification: Pathogenic. Last evaluated: 2024-12-11. Review status: criteria provided, single submitter. Criteria: Invitae Variant Classification Sherloc (09022015). Collection method: clinical testing. Allele origin: germline.
Comment: This sequence change replaces cysteine, which is neutral and slightly polar, with arginine, which is basic and polar, at codon 441 of the PRKN protein (p.Cys441Arg). This variant is present in population databases (rs778305273, gnomAD 0.06%). This missense change has been observed in individual(s) with juvenile Parkinson's disease (PMID: 12116199, 27206984). In at least one individual the data is consistent with being in trans (on the opposite chromosome) from a pathogenic variant. ClinVar contains an entry for this variant (Variation ID: 963190). Invitae Evidence Modeling of protein sequence and biophysical properties (such as structural, functional, and spatial information, amino acid conservation, physicochemical variation, residue mobility, and thermodynamic stability) indicates that this missense variant is expected to disrupt PRKN protein function with a positive predictive value of 80%. Experimental studies have shown that this missense change affects PRKN function (PMID: 16714300, 19801972, 25591737). For these reasons, this variant has been classified as Pathogenic.

Fulgent Genetics
Classification: Pathogenic for Ovarian cancer; Lung cancer; Autosomal recessive juvenile Parkinson disease 2. Last evaluated: 2024-05-24. Review status: criteria provided, single submitter. Criteria: ACMG Guidelines, 2015. Collection method: clinical testing. Allele origin: germline.

Revvity Omics, Revvity
Classification: Likely pathogenic for Autosomal recessive juvenile Parkinson disease 2. Last evaluated: 2024-01-18. Review status: criteria provided, single submitter. Criteria: ACMG Guidelines, 2015. Collection method: clinical testing. Allele origin: germline.

Juno Genomics, Hangzhou Juno Genomics, Inc
Classification: Pathogenic for Autosomal recessive juvenile Parkinson disease 2. Review status: criteria provided, single submitter. Criteria: ACMG Guidelines, 2015. Collection method: clinical testing. Allele origin: germline.
Comment: Absent from controls (or at extremely low frequency if recessive) in Genome Aggregation Database.;Multiple lines of computational evidence support a deleterious effect on the gene or gene product.;For recessive disorders, detected in trans with a pathogenic variant.;Patient's phenotype or family history is highly specific for a disease with a single genetic etiology.

Literature cited by the submitters: PubMed 12116199 (cited by Labcorp Genetics (formerly Invitae), Labcorp); PubMed 27206984 (cited by Labcorp Genetics (formerly Invitae), Labcorp); PubMed 16714300 (cited by Labcorp Genetics (formerly Invitae), Labcorp); PubMed 19801972 (cited by Labcorp Genetics (formerly Invitae), Labcorp); PubMed 25591737 (cited by Labcorp Genetics (formerly Invitae), Labcorp).

NM_004562.3(PRKN):c.1321T>C (p.Cys441Arg)

Gene: PRKN (parkin RBR E3 ubiquitin protein ligase; minus strand). Cytogenetic location: 6q26.
Variant type: single nucleotide variant.
Coding change: c.1321T>C on transcript NM_004562.3 (MANE Select); coding-DNA position 1321, T replaced by C.
Protein change: p.Cys441Arg; replaces cysteine 441 with arginine.
Molecular consequence: missense variant.
Genome position (GRCh38, 1-based): chr6:161,350,176, A>G on the plus strand (T>C on the coding strand, the complement: PRKN is on the minus strand). VCF-style: chr6-161350176-A-G. GRCh37 (hg19) VCF-style: chr6-161771208-A-G.
Other names: c.1237T>C, p.Cys413Arg (NM_013987.3); c.874T>C, p.Cys292Arg (NM_013988.3); short protein forms C292R, C413R, C441R.
Identifiers: ClinVar variation 963190 (VCV000963190.17), dbSNP rs778305273, ClinGen allele CA4089936.
Genomic context (GRCh38, chr6:161,350,176, plus strand): 5'-GGTCCCCCATGCAGACGCGGTTCCACTCGCAGCCACAGTTCCAGCACCACTCGAGCCTGC[A>G]CTGGGGCTGCGGACACTTCATGTGCATGCAGCCTCCTGTTGGGGGCAGAAAACAAAGGTG-3'
Protein context (NP_004553.2, residues 431-451): CMHMKCPQPQ[Cys441Arg]RLEWCWNCGC